The following is an entry in ClinVar:

ClinVar aggregate classification (germline): Conflicting classifications of pathogenicity. Review status: criteria provided, conflicting classifications (1 of 4 stars). 13 submissions from 13 submitters: Uncertain significance (1); Benign (1); Likely benign (7). 4 of the submissions do not count toward it. Last evaluated 2026-02-03.

Conditions:
TTN-related disorder. Also called: TTN-related disorders; TTN-related condition; TTN-related disease.
Cardiovascular phenotype. Identifiers: MedGen CN230736.
Dilated cardiomyopathy 1G (CMD1G). Identifiers: Orphanet 154, MedGen C1858763, MONDO:0011400, OMIM 604145.
Autosomal recessive limb-girdle muscular dystrophy type 2J (LGMDR10). Also called: Limb-girdle muscular dystrophy, type 2J; MUSCULAR DYSTROPHY, LIMB-GIRDLE, AUTOSOMAL RECESSIVE 10. Identifiers: Orphanet 140922, MedGen C1837342, MONDO:0012127, OMIM 608807.

Allele frequency attached by ClinVar (database versions not stated): gnomAD exomes 0.00008 and 0.00014; ExAC 0.00017; ESP Exome Variant Server 0.00034; gnomAD 0.00036; TOPMed 0.00040; 1000 Genomes Project 0.00060; 1000 Genomes Project 30x 0.00062.
gnomAD v4.1: 169 of 1,613,366 alleles (0.01%); highest among the groups gnomAD compares: African/African-American, 0.12%; no homozygotes.

Submissions (13):

Labcorp Genetics (formerly Invitae), Labcorp
Classification: Benign for Dilated cardiomyopathy 1G; Autosomal recessive limb-girdle muscular dystrophy type 2J. Last evaluated: 2026-02-03. Review status: criteria provided, single submitter. Criteria: Invitae Variant Classification Sherloc (09022015). Collection method: clinical testing. Allele origin: germline.

Ambry Genetics
Classification: Likely benign for Cardiovascular phenotype. Last evaluated: 2024-01-02. Review status: criteria provided, single submitter. Criteria: Ambry Variant Classification Scheme 2023. Collection method: clinical testing. Allele origin: germline.

Blueprint Genetics
Classification: Likely benign. Last evaluated: 2023-10-25. Review status: criteria provided, single submitter. Criteria: ACMG Guidelines, 2015. Collection method: clinical testing. Allele origin: germline.

CeGaT Center for Human Genetics Tuebingen
Classification: Likely benign. Last evaluated: 2023-08-01. Review status: criteria provided, single submitter. Criteria: CeGaT Center For Human Genetics Tuebingen Variant Classification Criteria Version 2. Collection method: clinical testing. Allele origin: germline. Affected: yes. Observed: 2 variant alleles.
Comment: TTN: BP4, BP7

Women's Health and Genetics/Laboratory Corporation of America, LabCorp
Classification: Likely benign. Last evaluated: 2021-03-13. Review status: criteria provided, single submitter. Criteria: LabCorp Variant Classification Summary - May 2015. Collection method: clinical testing. Allele origin: germline.

GeneDx
Classification: Likely benign. Last evaluated: 2020-10-12. Review status: criteria provided, single submitter. Criteria: GeneDx Variant Classification Process June 2021. Collection method: clinical testing. Allele origin: germline. Affected: yes.

Genetic Services Laboratory, University of Chicago
Classification: Uncertain significance. Last evaluated: 2015-05-26. Review status: criteria provided, single submitter. Criteria: ACMG Guidelines, 2015. Collection method: clinical testing. Allele origin: germline.

Eurofins Ntd Llc (ga)
Classification: Likely benign. Last evaluated: 2015-02-23. Review status: criteria provided, single submitter. Criteria: EGL Classification Definitions 2015. Collection method: clinical testing. Allele origin: germline. Observed: 1 variant allele, 1 heterozygote.

Laboratory for Molecular Medicine, Mass General Brigham Personalized Medicine
Classification: Likely benign. Last evaluated: 2012-03-19. Review status: criteria provided, single submitter. Criteria: LMM Criteria. Collection method: clinical testing. Allele origin: germline. Observed: 1 variant allele.
Comment: p.Gly23902Gly in Exon 275 of TTN: This variant is not expected to have clinical significance because it does not alter an amino acid residue, is not located wit hin the splice consensus sequence. It has been identified in 1/2974 African Amer ican chromosomes from a broad population by the NHLBI Exome Sequencing Project (dbSNP rs140942979).

PreventionGenetics, part of Exact Sciences
Classification: Likely benign for TTN-related condition. Last evaluated: 2023-12-27. Review status: no assertion criteria provided. Collection method: clinical testing. Allele origin: germline. Not counted in ClinVar's aggregate classification.
Comment: This variant is classified as likely benign based on ACMG/AMP sequence variant interpretation guidelines (Richards et al. 2015 PMID: 25741868, with internal and published modifications).

Clinical Genetics DNA and cytogenetics Diagnostics Lab, Erasmus MC, Erasmus Medical Center
Classification: Likely benign. Review status: no assertion criteria provided. Collection method: clinical testing. Allele origin: germline. Affected: yes. Study: VKGL Data-share Consensus. Not counted in ClinVar's aggregate classification.

Diagnostic Laboratory, Department of Genetics, University Medical Center Groningen
Classification: Likely benign. Review status: no assertion criteria provided. Collection method: clinical testing. Allele origin: germline. Affected: yes. Study: VKGL Data-share Consensus. Not counted in ClinVar's aggregate classification.

Genome Diagnostics Laboratory, University Medical Center Utrecht
Classification: Likely benign. Review status: no assertion criteria provided. Collection method: clinical testing. Allele origin: germline. Affected: yes. Study: VKGL Data-share Consensus. Not counted in ClinVar's aggregate classification.

NM_001267550.2(TTN):c.79410G>A (p.Gly26470=)

Genes: TTN-AS1 (TTN antisense RNA 1; plus strand), TTN (titin; minus strand). Cytogenetic location: 2q31.2.
Variant type: single nucleotide variant.
Coding change: c.79410G>A on transcript NM_001267550.2 (MANE Select); coding-DNA position 79410, G replaced by A.
Protein change: p.Gly26470=; no amino-acid change (glycine 26470 retained).
Molecular consequence: synonymous variant.
Genome position (GRCh38, 1-based): chr2:178,566,722, C>T on the plus strand (G>A on the coding strand, the complement: TTN is on the minus strand). VCF-style: chr2-178566722-C-T. GRCh37 (hg19) VCF-style: chr2-179431449-C-T.
Other names: c.74487G>A, p.Gly24829= (NM_001256850.1); c.52215G>A, p.Gly17405= (NM_003319.4); c.52590G>A, p.Gly17530= (NM_133432.3); c.52791G>A, p.Gly17597= (NM_133437.4); c.71706G>A, p.Gly23902= (NM_133378.4).
Identifiers: ClinVar variation 165819 (VCV000165819.62), dbSNP rs140942979, ClinGen allele CA178487.